The following is an entry in ClinVar:

ClinVar aggregate classification (germline): Conflicting classifications of pathogenicity. Review status: criteria provided, conflicting classifications (1 of 4 stars). 5 submissions from 5 submitters: Uncertain significance (3); Benign (1). 1 of the submissions does not count toward it. Last evaluated 2026-01-26.

Conditions:
Nemaline myopathy 2 (NEM2). Also called: Nemaline myopathy 2, autosomal recessive. Identifiers: MedGen C1850569, MONDO:0009725, OMIM 256030.
Inborn genetic diseases. Identifiers: MedGen C0950123, MeSH D030342.

Allele frequency attached by ClinVar (database versions not stated): gnomAD exomes 0.00004 and 0.00005; ExAC 0.00005; gnomAD 0.00015 and 0.00016; 1000 Genomes Project 30x 0.00016; TOPMed 0.00018; 1000 Genomes Project 0.00020.
gnomAD v4.1: 78 of 1,613,794 alleles (0.0048%); highest among the groups gnomAD compares: African/African-American, 0.057%; 1 homozygote.

Submissions (5):

Labcorp Genetics (formerly Invitae), Labcorp
Classification: Benign for Nemaline myopathy 2. Last evaluated: 2026-01-26. Review status: criteria provided, single submitter. Criteria: Invitae Variant Classification Sherloc (09022015). Collection method: clinical testing. Allele origin: germline.

Ambry Genetics
Classification: Uncertain significance for Inborn genetic diseases. Last evaluated: 2025-05-20. Review status: criteria provided, single submitter. Criteria: Ambry Variant Classification Scheme 2023. Collection method: clinical testing. Allele origin: germline.

GeneDx
Classification: Uncertain significance. Last evaluated: 2024-01-23. Review status: criteria provided, single submitter. Criteria: GeneDx Variant Classification Process June 2021. Collection method: clinical testing. Allele origin: germline. Affected: yes.
Comment: In silico analysis supports that this missense variant has a deleterious effect on protein structure/function; Has not been previously published as pathogenic or benign to our knowledge

Illumina Laboratory Services, Illumina
Classification: Uncertain significance for Nemaline myopathy 2. Last evaluated: 2018-01-13. Review status: criteria provided, single submitter. Criteria: ICSL Variant Classification Criteria 13 December 2019. Collection method: clinical testing. Allele origin: germline.

Natera, Inc.
Classification: Uncertain significance for Nemaline myopathy type 2. Last evaluated: 2020-09-16. Review status: no assertion criteria provided. Collection method: clinical testing. Allele origin: germline. Not counted in ClinVar's aggregate classification.

NM_001164508.2(NEB):c.8071C>T (p.Arg2691Cys)

Gene: NEB (nebulin; minus strand). Cytogenetic location: 2q23.3.
Variant type: single nucleotide variant.
Coding change: c.8071C>T on transcript NM_001164508.2 (MANE Select); coding-DNA position 8071, C replaced by T.
Protein change: p.Arg2691Cys; replaces arginine 2691 with cysteine.
Molecular consequence: missense variant.
Genome position (GRCh38, 1-based): chr2:151,643,239, G>A on the plus strand (C>T on the coding strand, the complement: NEB is on the minus strand). VCF-style: chr2-151643239-G-A. GRCh37 (hg19) VCF-style: chr2-152499753-G-A.
Other names: c.8071C>T, p.Arg2691Cys (NM_001164507.2, NM_001271208.2, NM_004543.5); short protein forms R2691C.
Identifiers: ClinVar variation 465643 (VCV000465643.15), dbSNP rs202044707, ClinGen allele CA1909690.